The following is an entry in ClinVar:

ClinVar aggregate classification (germline): Benign. Review status: criteria provided, multiple submitters, no conflicts (2 of 4 stars). 3 submissions from 3 submitters: Benign (2). 1 of the submissions does not count toward it. Last evaluated 2026-02-02.

Conditions:
TONSL-related disorder. Also called: TONSL-related condition.

Allele frequency attached by ClinVar (database versions not stated): 1000 Genomes Project 0.02236; 1000 Genomes Project 30x 0.02311; TOPMed 0.02219; ESP Exome Variant Server 0.02399.
gnomAD v4.1: 5,989 of 1,613,400 alleles (0.37%); highest among the groups gnomAD compares: African/African-American, 7.1%; 218 homozygotes.

Submissions (3):

Labcorp Genetics (formerly Invitae), Labcorp
Classification: Benign. Last evaluated: 2026-02-02. Review status: criteria provided, single submitter. Criteria: Invitae Variant Classification Sherloc (09022015). Collection method: clinical testing. Allele origin: germline.

Breakthrough Genomics
Classification: Benign. Review status: criteria provided, single submitter. Criteria: ACMG Guidelines, 2015. Collection method: not provided. Allele origin: germline. Inheritance: Autosomal recessive inheritance. Affected: yes.

PreventionGenetics, part of Exact Sciences
Classification: Benign for TONSL-related condition. Last evaluated: 2020-02-17. Review status: no assertion criteria provided. Collection method: clinical testing. Allele origin: germline. Not counted in ClinVar's aggregate classification.
Comment: This variant is classified as benign based on ACMG/AMP sequence variant interpretation guidelines (Richards et al. 2015 PMID: 25741868, with internal and published modifications).

NM_013432.5(TONSL):c.3042G>A (p.Pro1014=)

Gene: TONSL (tonsoku like, DNA repair protein; minus strand). Cytogenetic location: 8q24.3.
Variant type: single nucleotide variant.
Coding change: c.3042G>A on transcript NM_013432.5 (MANE Select); coding-DNA position 3042, G replaced by A.
Protein change: p.Pro1014=; no amino-acid change (proline 1014 retained).
Molecular consequence: synonymous variant.
Genome position (GRCh38, 1-based): chr8:144,434,854, C>T on the plus strand (G>A on the coding strand, the complement: TONSL is on the minus strand). VCF-style: chr8-144434854-C-T. GRCh37 (hg19) VCF-style: chr8-145660237-C-T.
Identifiers: ClinVar variation 782522 (VCV000782522.12), dbSNP rs34180657, ClinGen allele CA4942618.